The following is an entry in ClinVar:

NM_006231.4(POLE):c.2444T>C (p.Phe815Ser)

Gene: POLE (DNA polymerase epsilon, catalytic subunit; minus strand). Cytogenetic location: 12q24.33.
Variant type: single nucleotide variant.
Coding change: c.2444T>C on transcript NM_006231.4 (MANE Select); coding-DNA position 2444, T replaced by C.
Protein change: p.Phe815Ser; replaces phenylalanine 815 with serine.
Molecular consequence: missense variant.
Genome position (GRCh38, 1-based): chr12:132,665,326, A>G on the plus strand (T>C on the coding strand, the complement: POLE is on the minus strand). VCF-style: chr12-132665326-A-G. GRCh37 (hg19) VCF-style: chr12-133241912-A-G.
Other names: c.2444T>C (NM_006231.2); short protein forms F815S.
Identifiers: ClinVar variation 1990572 (VCV001990572.6), dbSNP rs2042769148, ClinGen allele CA387396997.

ClinVar aggregate classification (germline): Uncertain significance. Review status: criteria provided, multiple submitters, no conflicts (2 of 4 stars). 3 submissions from 3 submitters: Uncertain significance (3). Last evaluated 2025-05-16.

Conditions:
Hereditary cancer-predisposing syndrome. Also called: Tumor predisposition; Hereditary Cancer Syndrome; Hereditary neoplastic syndrome; Neoplastic Syndromes, Hereditary. Identifiers: Orphanet 140162, MedGen C0027672, MeSH D009386, MONDO:0015356.

Allele frequency attached by ClinVar (database versions not stated): gnomAD exomes below 0.00001; TOPMed 0.00001.
gnomAD v4.1: 1 of 1,614,000 alleles (0.000062%); highest among the groups gnomAD compares: African/African-American, 0.0013%; no homozygotes.

Submissions (3):

Ambry Genetics
Classification: Uncertain significance for Hereditary cancer-predisposing syndrome. Last evaluated: 2025-05-16. Review status: criteria provided, single submitter. Criteria: Ambry Variant Classification Scheme 2023. Collection method: clinical testing. Allele origin: germline.
Comment: The p.F815S variant (also known as c.2444T>C), located in coding exon 21 of the POLE gene, results from a T to C substitution at nucleotide position 2444. The phenylalanine at codon 815 is replaced by serine, an amino acid with highly dissimilar properties. This amino acid position is highly conserved in available vertebrate species. In addition, the in silico prediction for this alteration is inconclusive. Based on the available evidence, the clinical significance of this variant remains unclear.

GeneDx
Classification: Uncertain significance. Last evaluated: 2024-01-05. Review status: criteria provided, single submitter. Criteria: GeneDx Variant Classification Process June 2021. Collection method: clinical testing. Allele origin: germline. Affected: yes.
Comment: Not observed at significant frequency in large population cohorts (gnomAD); In silico analysis supports that this missense variant has a deleterious effect on protein structure/function; Has not been previously published as pathogenic or benign to our knowledge; This variant is associated with the following publications: (PMID: 28558987, 20951805)

Labcorp Genetics (formerly Invitae), Labcorp
Classification: Uncertain significance. Last evaluated: 2022-04-17. Review status: criteria provided, single submitter. Criteria: Invitae Variant Classification Sherloc (09022015). Collection method: clinical testing. Allele origin: germline.
Comment: This sequence change replaces phenylalanine, which is neutral and non-polar, with serine, which is neutral and polar, at codon 815 of the POLE protein (p.Phe815Ser). This variant is not present in population databases (gnomAD no frequency). This variant has not been reported in the literature in individuals affected with POLE-related conditions. Algorithms developed to predict the effect of missense changes on protein structure and function (SIFT, PolyPhen-2, Align-GVGD) all suggest that this variant is likely to be disruptive. In summary, the available evidence is currently insufficient to determine the role of this variant in disease. Therefore, it has been classified as a Variant of Uncertain Significance.